The following is an entry in ClinVar:

ClinVar aggregate classification (germline): Conflicting classifications of pathogenicity. Review status: criteria provided, conflicting classifications (1 of 4 stars). 5 submissions from 5 submitters: Uncertain significance (1); Benign (1); Likely benign (3). Last evaluated 2026-05-12.

Conditions:
Achondrogenesis, type IA (ACG1A). Identifiers: Orphanet 932, Orphanet 93299, MedGen C0265273, MONDO:0008701, OMIM 200600.

Allele frequency attached by ClinVar (database versions not stated): gnomAD exomes 0.00060 and 0.00132; gnomAD 0.00066 and 0.00070; ESP Exome Variant Server 0.00069; TOPMed 0.00076; ExAC 0.00102.
gnomAD v4.1: 1,068 of 1,603,072 alleles (0.067%); highest among the groups gnomAD compares: Middle Eastern, 0.018%; 17 homozygotes.

Submissions (6):

Women's Health and Genetics/Laboratory Corporation of America, LabCorp
Classification: Likely benign. Last evaluated: 2026-05-12. Review status: criteria provided, single submitter. Criteria: LabCorp Variant Classification Summary - May 2015. Collection method: clinical testing. Allele origin: germline.

Labcorp Genetics (formerly Invitae), Labcorp
Classification: Benign for Achondrogenesis, type IA. Last evaluated: 2026-01-11. Review status: criteria provided, single submitter. Criteria: Invitae Variant Classification Sherloc (09022015). Collection method: clinical testing. Allele origin: germline.

Blueprint Genetics
Classification: Likely benign. Last evaluated: 2024-07-26. Review status: criteria provided, single submitter. Criteria: ACMG Guidelines, 2015. Collection method: clinical testing. Allele origin: germline.

Illumina Laboratory Services, Illumina
Classification: Uncertain significance for Achondrogenesis, type IA. Last evaluated: 2018-01-13. Review status: criteria provided, single submitter. Criteria: ICSL Variant Classification Criteria 13 December 2019. Collection method: clinical testing. Allele origin: germline.

GeneDx
Classification: Likely benign. Last evaluated: 2016-11-03. Review status: criteria provided, single submitter. Criteria: GeneDx Variant Classification (06012015). Collection method: clinical testing. Allele origin: germline. Affected: yes.
Comment: This variant is considered likely benign or benign based on one or more of the following criteria: it is a conservative change, it occurs at a poorly conserved position in the protein, it is predicted to be benign by multiple in silico algorithms, and/or has population frequency not consistent with disease.

Dr. Peter K. Rogan Lab, Western University
No classification provided (evidence only). Condition: Ovarian serous cystadenocarcinoma. Review status: no classification provided. Collection method: in vitro. Allele origin: not applicable. Functional consequence: retained intron. Not counted in ClinVar's aggregate classification.

NM_004239.4(TRIP11):c.5057-9T>G

Gene: TRIP11 (thyroid hormone receptor interactor 11; minus strand). Cytogenetic location: 14q32.12.
Variant type: single nucleotide variant.
Coding change: c.5057-9T>G on transcript NM_004239.4 (MANE Select); 9 bases into the intron before coding-DNA position 5057, T replaced by G.
Molecular consequence: intron variant.
Genome position (GRCh38, 1-based): chr14:91,993,921, A>C on the plus strand (T>G on the coding strand, the complement: TRIP11 is on the minus strand). VCF-style: chr14-91993921-A-C. GRCh37 (hg19) VCF-style: chr14-92460265-A-C.
Other names: c.5054-9T>G (NM_001321851.1).
Identifiers: ClinVar variation 390625 (VCV000390625.18), dbSNP rs372161255, ClinGen allele CA7313291.